The following is an entry in ClinVar:

NM_001145809.2(MYH14):c.5749G>A (p.Glu1917Lys)

Gene: MYH14 (myosin heavy chain 14; plus strand). Cytogenetic location: 19q13.33.
Variant type: single nucleotide variant.
Coding change: c.5749G>A on transcript NM_001145809.2 (MANE Select); coding-DNA position 5749, G replaced by A.
Protein change: p.Glu1917Lys; replaces glutamic acid 1917 with lysine.
Molecular consequence: missense variant.
Genome position (GRCh38, 1-based): chr19:50,307,119, G>A. VCF-style: chr19-50307119-G-A. GRCh37 (hg19) VCF-style: chr19-50810376-G-A.
Other names: c.5650G>A, p.Glu1884Lys (NM_001077186.2); c.5626G>A, p.Glu1876Lys (NM_024729.4); short protein forms E1876K, E1917K, E1884K.
Identifiers: ClinVar variation 4055957 (VCV004055957.1).

ClinVar aggregate classification (germline): Uncertain significance (1 of 4 stars; one submission).

Submission:

GeneDx
Classification: Uncertain significance. Last evaluated: 2025-01-06. Review status: criteria provided, single submitter. Criteria: GeneDx Variant Classification Process June 2021. Collection method: clinical testing. Allele origin: germline. Affected: yes.
Comment: Not observed at significant frequency in large population cohorts (gnomAD); In silico analysis supports that this missense variant has a deleterious effect on protein structure/function; Has not been previously published as pathogenic or benign to our knowledge